The following is an entry in ClinVar:

ClinVar aggregate classification (germline): Uncertain significance (1 of 4 stars; one submission).

Submission:

Labcorp Genetics (formerly Invitae), Labcorp
Classification: Uncertain significance. Last evaluated: 2024-02-24. Review status: criteria provided, single submitter. Criteria: Invitae Variant Classification Sherloc (09022015). Collection method: clinical testing. Allele origin: germline.
Comment: This sequence change replaces asparagine, which is neutral and polar, with threonine, which is neutral and polar, at codon 1083 of the MYO5B protein (p.Asn1083Thr). This variant is not present in population databases (gnomAD no frequency). This variant has not been reported in the literature in individuals affected with MYO5B-related conditions. ClinVar contains an entry for this variant (Variation ID: 2091024). Advanced modeling of protein sequence and biophysical properties (such as structural, functional, and spatial information, amino acid conservation, physicochemical variation, residue mobility, and thermodynamic stability) performed at Invitae indicates that this missense variant is not expected to disrupt MYO5B protein function with a negative predictive value of 80%. In summary, the available evidence is currently insufficient to determine the role of this variant in disease. Therefore, it has been classified as a Variant of Uncertain Significance.

NM_001080467.3(MYO5B):c.3248A>C (p.Asn1083Thr)

Gene: MYO5B (myosin VB; minus strand). Cytogenetic location: 18q21.1.
Variant type: single nucleotide variant.
Coding change: c.3248A>C on transcript NM_001080467.3 (MANE Select); coding-DNA position 3248, A replaced by C.
Protein change: p.Asn1083Thr; replaces asparagine 1083 with threonine.
Molecular consequence: missense variant.
Genome position (GRCh38, 1-based): chr18:49,878,973, T>G on the plus strand (A>C on the coding strand, the complement: MYO5B is on the minus strand). VCF-style: chr18-49878973-T-G. GRCh37 (hg19) VCF-style: chr18-47405343-T-G.
Other names: short protein forms N1083T.
Identifiers: ClinVar variation 2091024 (VCV002091024.4), dbSNP rs1000783989, ClinGen allele CA402428720.